The following is an entry in ClinVar:

ClinVar aggregate classification (germline): Conflicting classifications of pathogenicity. Review status: criteria provided, conflicting classifications (1 of 4 stars). 7 submissions from 7 submitters: Uncertain significance (5); Likely benign (1). 1 of the submissions does not count toward it. Last evaluated 2026-01-13.

Conditions:
CDH23-related disorder. Also called: CDH23-related disorders; CDH23-related condition.
Inborn genetic diseases. Identifiers: MedGen C0950123, MeSH D030342.
Usher syndrome type 1 (USH1). Also called: RETINITIS PIGMENTOSA AND CONGENITAL DEAFNESS. Identifiers: Orphanet 231169, Orphanet 886, MedGen C1568247, MONDO:0010168, OMIM 276900.

Allele frequency attached by ClinVar (database versions not stated): ESP Exome Variant Server 0.00033; TOPMed 0.00038; gnomAD exomes 0.00003 and 0.00008; ExAC 0.00008; gnomAD 0.00025 and 0.00027.
gnomAD v4.1: 77 of 1,576,822 alleles (0.0049%); highest among the groups gnomAD compares: African/African-American, 0.093%; no homozygotes.

Submissions (7):

Labcorp Genetics (formerly Invitae), Labcorp
Classification: Likely benign. Last evaluated: 2026-01-13. Review status: criteria provided, single submitter. Criteria: Invitae Variant Classification Sherloc (09022015). Collection method: clinical testing. Allele origin: germline.

PreventionGenetics, part of Exact Sciences
Classification: Uncertain significance for CDH23-related condition. Last evaluated: 2025-12-31. Review status: criteria provided, single submitter. Criteria: ACMG Guidelines, 2015. Collection method: clinical testing. Allele origin: germline.
Comment: The CDH23 c.5831T>C variant is predicted to result in the amino acid substitution p.Leu1944Ser. To our knowledge, this variant has not been reported in the literature. This variant is reported in 0.091% of alleles in individuals of African descent in gnomAD, which may be too frequent to be a primary cause of disease. Although we suspect that this variant may be benign, at this time, the clinical significance of this variant is uncertain due to the absence of conclusive functional and genetic evidence.

Ambry Genetics
Classification: Uncertain significance for Inborn genetic diseases. Last evaluated: 2024-08-26. Review status: criteria provided, single submitter. Criteria: Ambry Variant Classification Scheme 2023. Collection method: clinical testing. Allele origin: germline.

GeneDx
Classification: Uncertain significance. Last evaluated: 2024-03-25. Review status: criteria provided, single submitter. Criteria: GeneDx Variant Classification Process June 2021. Collection method: clinical testing. Allele origin: germline. Affected: yes.
Comment: In silico analysis supports that this missense variant does not alter protein structure/function; Has not been previously published as pathogenic or benign to our knowledge

Blueprint Genetics
Classification: Uncertain significance. Last evaluated: 2023-09-01. Review status: criteria provided, single submitter. Criteria: ACMG Guidelines, 2015. Collection method: clinical testing. Allele origin: germline.

Laboratory for Molecular Medicine, Mass General Brigham Personalized Medicine
Classification: Uncertain significance. Last evaluated: 2016-06-02. Review status: criteria provided, single submitter. Criteria: LMM Criteria. Collection method: clinical testing. Allele origin: germline. Observed: 2 variant alleles.
Comment: This variant ha s been identified in 0.1% (9/9754) of African chromosomes by the Exome Aggregati on Consortium (ExAC; dbSNP rs201876362). Althoug h this variant has been seen in the general population, its frequency is not hig h enough to rule out a pathogenic role. Computational prediction tools and conse rvation analyses do not provide strong support for or against an impact to the p rotein. In summary, the clinical significance of the p.Leu1944Ser variant is unc ertain

Natera, Inc.
Classification: Uncertain significance for Usher syndrome type 1. Last evaluated: 2019-10-28. Review status: no assertion criteria provided. Collection method: clinical testing. Allele origin: germline. Not counted in ClinVar's aggregate classification.

NM_022124.6(CDH23):c.5831T>C (p.Leu1944Ser)

Gene: CDH23 (cadherin related 23; plus strand). Cytogenetic location: 10q22.1.
Variant type: single nucleotide variant.
Coding change: c.5831T>C on transcript NM_022124.6 (MANE Select); coding-DNA position 5831, T replaced by C.
Protein change: p.Leu1944Ser; replaces leucine 1944 with serine.
Molecular consequence: missense variant.
Genome position (GRCh38, 1-based): chr10:71,788,950, T>C. VCF-style: chr10-71788950-T-C. GRCh37 (hg19) VCF-style: chr10-73548707-T-C.
Other names: short protein forms L1944S.
Identifiers: ClinVar variation 45993 (VCV000045993.13), dbSNP rs201876362, ClinGen allele CA137509.